The following is an entry in ClinVar:

NM_007373.4(SHOC2):c.1161+9A>G

Gene: SHOC2 (SHOC2 leucine rich repeat scaffold protein; plus strand). Cytogenetic location: 10q25.2.
Variant type: single nucleotide variant.
Coding change: c.1161+9A>G on transcript NM_007373.4 (MANE Select); 9 bases into the intron after coding-DNA position 1161, A replaced by G.
Molecular consequence: intron variant.
Genome position (GRCh38, 1-based): chr10:111,004,803, A>G. VCF-style: chr10-111004803-A-G. GRCh37 (hg19) VCF-style: chr10-112764561-A-G.
Other names: c.1161+9A>G (NM_001324336.2, NM_001324337.2); c.1023+9A>G (NM_001269039.3).
Identifiers: ClinVar variation 40638 (VCV000040638.20), dbSNP rs201795589, ClinGen allele CA293481.
Genomic context (GRCh38, chr10:111,004,803, plus strand): 5'-TCCATTTGGAATTTTCTCCAGAGCAAAAGTATTAAGTAAGCTGAATATGAAGGTAAGCAT[A>G]TATTTGTTTACTAGGGAAAGGAATTGCTTTAATTGGTACTTCCACTAATATTTATGTTTT-3'

ClinVar aggregate classification (germline): Benign/Likely benign. Review status: criteria provided, multiple submitters, no conflicts (2 of 4 stars). 7 submissions from 7 submitters: Benign (5); Likely benign (1). 1 of the submissions does not count toward it. Last evaluated 2026-02-02.

Conditions:
SHOC2-related disorder. Also called: SHOC2-related condition.
Noonan syndrome and Noonan-related syndrome. Identifiers: Orphanet 98733, MedGen C5681679, MONDO:0020297.
RASopathy. Also called: rasopathies; Noonan spectrum disorder. Identifiers: Orphanet 536391, MedGen C5555857, MONDO:0021060.
Noonan syndrome-like disorder with loose anagen hair 1 (NSLH1). Also called: TOSTI SYNDROME; MAZZANTI SYNDROME. Identifiers: Orphanet 2701, MedGen C4478716, MONDO:0054637, OMIM 607721.

Allele frequency attached by ClinVar (database versions not stated): gnomAD 0.00008 and 0.00023; TOPMed 0.00017; ESP Exome Variant Server 0.00031; gnomAD exomes 0.00095; ExAC 0.00104; 1000 Genomes Project 30x 0.00125; 1000 Genomes Project 0.00160.
gnomAD v4.1: 709 of 1,571,548 alleles (0.045%); highest among the groups gnomAD compares: South Asian, 0.58%; 9 homozygotes.

Submissions (7):

Labcorp Genetics (formerly Invitae), Labcorp
Classification: Benign for RASopathy. Last evaluated: 2026-02-02. Review status: criteria provided, single submitter. Criteria: Invitae Variant Classification Sherloc (09022015). Collection method: clinical testing. Allele origin: germline.

Blueprint Genetics
Classification: Likely benign. Last evaluated: 2024-11-21. Review status: criteria provided, single submitter. Criteria: ACMG Guidelines, 2015. Collection method: clinical testing. Allele origin: germline.

Women's Health and Genetics/Laboratory Corporation of America, LabCorp
Classification: Benign. Last evaluated: 2021-05-02. Review status: criteria provided, single submitter. Criteria: LabCorp Variant Classification Summary - May 2015. Collection method: clinical testing. Allele origin: germline.
Comment: Variant summary: SHOC2 c.1161+9A>G alters a non-conserved nucleotide located close to a canonical splice site and therefore could affect mRNA splicing, leading to a significantly altered protein sequence. 4/4 computational tools predict no significant impact on normal splicing. However, these predictions have yet to be confirmed by functional studies. The variant allele was found at a frequency of 0.00095 in 248504 control chromosomes in the gnomAD database, including 3 homozygotes. The observed variant frequency is approximately 38 fold of the estimated maximal expected allele frequency for a pathogenic variant in SHOC2 causing Noonan Syndrome With Loose Anagen Hair phenotype (2.5e-05), strongly suggesting that the variant is benign. To our knowledge, no occurrence of c.1161+9A>G in individuals affected with Noonan Syndrome With Loose Anagen Hair and no experimental evidence demonstrating its impact on protein function have been reported. Two clinical diagnostic laboratories have submitted clinical-significance assessments for this variant to ClinVar after 2014 without evidence for independent evaluation. All laboratories classified the variant as benign. Based on the evidence outlined above, the variant was classified as benign.

Genome Diagnostics Laboratory, The Hospital for Sick Children
Classification: Benign for Noonan syndrome and Noonan-related syndrome. Last evaluated: 2021-04-29. Review status: criteria provided, single submitter. Criteria: ACMG Guidelines, 2015. Collection method: clinical testing. Allele origin: germline.

Illumina Laboratory Services, Illumina
Classification: Benign for Noonan syndrome-like disorder with loose anagen hair 1. Last evaluated: 2018-01-13. Review status: criteria provided, single submitter. Criteria: ICSL Variant Classification Criteria 13 December 2019. Collection method: clinical testing. Allele origin: germline.
Comment: This variant was observed in the ICSL laboratory as part of a predisposition screen in an ostensibly healthy population. It had not been previously curated by ICSL or reported in the Human Gene Mutation Database (HGMD: prior to June 1st, 2018), and was therefore a candidate for classification through an automated scoring system. Utilizing variant allele frequency, disease prevalence and penetrance estimates, and inheritance mode, an automated score was calculated to assess if this variant is too frequent to cause the disease. Based on the score and internal cut-off values, a variant classified as benign is not then subjected to further curation. The score for this variant resulted in a classification of benign for this disease.

GeneDx
Classification: Benign. Last evaluated: 2013-03-08. Review status: criteria provided, single submitter. Criteria: GeneDx Variant Classification (06012015). Collection method: clinical testing. Allele origin: germline. Affected: yes.
Comment: This variant is considered likely benign or benign based on one or more of the following criteria: it is a conservative change, it occurs at a poorly conserved position in the protein, it is predicted to be benign by multiple in silico algorithms, and/or has population frequency not consistent with disease.

PreventionGenetics, part of Exact Sciences
Classification: Benign for SHOC2-related condition. Last evaluated: 2022-04-18. Review status: no assertion criteria provided. Collection method: clinical testing. Allele origin: germline. Not counted in ClinVar's aggregate classification.
Comment: This variant is classified as benign based on ACMG/AMP sequence variant interpretation guidelines (Richards et al. 2015 PMID: 25741868, with internal and published modifications).